The following is an entry in ClinVar:

ClinVar aggregate classification (germline): Uncertain significance (1 of 4 stars; one submission).

Conditions:
Immunodeficiency 31B. Also called: IMMUNODEFICIENCY 31B, MYCOBACTERIAL AND VIRAL INFECTIONS, AUTOSOMAL RECESSIVE; STAT1 DEFICIENCY, AUTOSOMAL RECESSIVE. Identifiers: Orphanet 391311, MedGen C3151088, MONDO:0013427, OMIM 613796.
Autoimmune enteropathy and endocrinopathy - susceptibility to chronic infections syndrome. Also called: Immunodeficiency 31C, autosomal dominant; Immunodeficiency 31C. Identifiers: Orphanet 391487, MedGen C3279990, MONDO:0013599, OMIM 614162.
Mendelian susceptibility to mycobacterial diseases due to partial STAT1 deficiency. Also called: IMMUNODEFICIENCY 31A, MYCOBACTERIOSIS, AUTOSOMAL DOMINANT; STAT1 DEFICIENCY, AUTOSOMAL DOMINANT; Immunodeficiency 31a. Identifiers: Orphanet 319595, MedGen C4013950, MONDO:0013956, OMIM 614892.

Submission:

Labcorp Genetics (formerly Invitae), Labcorp
Classification: Uncertain significance for Mendelian susceptibility to mycobacterial diseases due to partial STAT1 deficiency; Immunodeficiency 31B; Autoimmune enteropathy and endocrinopathy - susceptibility to chronic infections syndrome. Last evaluated: 2024-05-24. Review status: criteria provided, single submitter. Criteria: Invitae Variant Classification Sherloc (09022015). Collection method: clinical testing. Allele origin: germline.
Comment: This sequence change falls in intron 13 of the STAT1 gene. It does not directly change the encoded amino acid sequence of the STAT1 protein. It affects a nucleotide within the consensus splice site. This variant is not present in population databases (gnomAD no frequency). This variant has not been reported in the literature in individuals affected with STAT1-related conditions. Variants that disrupt the consensus splice site are a relatively common cause of aberrant splicing (PMID: 17576681, 9536098). Algorithms developed to predict the effect of sequence changes on RNA splicing suggest that this variant may disrupt the consensus splice site. In summary, the available evidence is currently insufficient to determine the role of this variant in disease. Therefore, it has been classified as a Variant of Uncertain Significance.

Literature cited by the submitters: PubMed 17576681; PubMed 9536098.

NM_007315.4(STAT1):c.1128-3T>G

Gene: STAT1 (signal transducer and activator of transcription 1; minus strand). Cytogenetic location: 2q32.2.
Variant type: single nucleotide variant.
Coding change: c.1128-3T>G on transcript NM_007315.4 (MANE Select); 3 bases into the intron before coding-DNA position 1128, T replaced by G.
Molecular consequence: intron variant.
Genome position (GRCh38, 1-based): chr2:190,986,950, A>C on the plus strand (T>G on the coding strand, the complement: STAT1 is on the minus strand). VCF-style: chr2-190986950-A-C. GRCh37 (hg19) VCF-style: chr2-191851676-A-C.
Other names: c.1128-3T>G (NM_001384886.1, NM_139266.3, NM_001384889.1); c.1164-3T>G (NM_001384891.1); c.1134-3T>G (NM_001384884.1, NM_001384881.1); c.969-3T>G (NM_001384885.1); c.1035-3T>G (NM_001384887.1); c.1068-3T>G (NM_001384880.1); c.1098-3T>G (NM_001384888.1); c.1128-9T>G (NM_001384882.1); and 2 more.
Identifiers: ClinVar variation 3756531 (VCV003756531.2).